The following is an entry in ClinVar:

ClinVar aggregate classification (germline): Uncertain significance (1 of 4 stars; one submission).

gnomAD v4.1: 1 of 1,612,016 alleles (0.000062%); highest among the groups gnomAD compares: Non-Finnish European, 0.000085%; no homozygotes.

Submission:

Labcorp Genetics (formerly Invitae), Labcorp
Classification: Uncertain significance. Last evaluated: 2023-08-27. Review status: criteria provided, single submitter. Criteria: Invitae Variant Classification Sherloc (09022015). Collection method: clinical testing. Allele origin: germline.
Comment: This sequence change replaces serine, which is neutral and polar, with phenylalanine, which is neutral and non-polar, at codon 357 of the MYO7A protein (p.Ser357Phe). This variant is not present in population databases (gnomAD no frequency). This variant has not been reported in the literature in individuals affected with MYO7A-related conditions. Advanced modeling of protein sequence and biophysical properties (such as structural, functional, and spatial information, amino acid conservation, physicochemical variation, residue mobility, and thermodynamic stability) performed at Invitae indicates that this missense variant is not expected to disrupt MYO7A protein function. In summary, the available evidence is currently insufficient to determine the role of this variant in disease. Therefore, it has been classified as a Variant of Uncertain Significance.

NM_000260.4(MYO7A):c.1070C>T (p.Ser357Phe)

Gene: MYO7A (myosin VIIA; plus strand). Cytogenetic location: 11q13.5.
Variant type: single nucleotide variant.
Coding change: c.1070C>T on transcript NM_000260.4 (MANE Select); coding-DNA position 1070, C replaced by T.
Protein change: p.Ser357Phe; replaces serine 357 with phenylalanine.
Molecular consequence: missense variant.
Genome position (GRCh38, 1-based): chr11:77,159,513, C>T. VCF-style: chr11-77159513-C-T. GRCh37 (hg19) VCF-style: chr11-76870559-C-T.
Other names: c.1070C>T, p.Ser357Phe (NM_001127180.2); c.1037C>T, p.Ser346Phe (NM_001369365.1); short protein forms S346F, S357F.
Identifiers: ClinVar variation 2978008 (VCV002978008.3), dbSNP rs973301416, ClinGen allele CA224830134.
Genomic context (GRCh38, chr11:77,159,513, plus strand): 5'-CATTTGAAAACCTGGATGCCTGTGAGGTTCTCTTCTCCCCATCGCTGGCCACAGCTGCAT[C>T]CCTGCTTGAGGTCAGTGCCTGGCCTCTCTCCCCTCCATGACTTCTGTCCCTCTGAAGGGT-3'
Protein context (NP_000251.3, residues 347-367): LFSPSLATAA[Ser357Phe]LLEVNPPDLM